The following is an entry in ClinVar:

NM_001077365.2(POMT1):c.1977del (p.Gln660fs)

Gene: POMT1 (protein O-mannosyltransferase 1; plus strand). Cytogenetic location: 9q34.13.
Variant type: Deletion.
Coding change: c.1977del on transcript NM_001077365.2 (MANE Select); coding-DNA position 1977, one base deleted (G; older notation c.1977delG).
Protein change: p.Gln660fs; shifts the reading frame from glutamine 660.
Molecular consequence: frameshift variant. On other transcripts: non-coding transcript variant (10).
Genome position (GRCh38, 1-based): chr9:131,522,198, G deleted. VCF-style (leftmost placement, unchanged base first): chr9-131522197-TG-T. GRCh37 (hg19) VCF-style: chr9-134397584-TG-T.
Other names: c.1815del, p.Gln606fs (NM_001077366.2, NM_001353194.2); c.1977del, p.Gln660fs (NM_001136113.2); c.1626del, p.Gln543fs (NM_001136114.2, NM_001353195.2, NM_001374691.1 and 2 more transcripts); c.2043del, p.Gln682fs (NM_001353193.2, NM_007171.4); c.1887del, p.Gln630fs (NM_001353196.2); c.1881del, p.Gln628fs (NM_001353197.2, NM_001353198.2); c.1692del, p.Gln565fs (NM_001353199.2); c.1521del, p.Gln508fs (NM_001353200.2); and 4 more; short protein forms Q606fs, Q656fs, Q283fs, Q508fs, Q565fs, Q628fs, Q543fs, Q630fs.
Identifiers: ClinVar variation 2948069 (VCV002948069.4), dbSNP rs2539477949, ClinGen allele CA2579545781.
Genomic context (GRCh38, chr9:131,522,197, plus strand): 5'-TCTTCCTCTACCACTACCTGCCCGCACTCACCTTCCAAATCCTTCTGCTCCCTGTGGTCC[TG>T]CAGCACATCAGCGACCACCTGTGCAGGTACGGGGGCTGCGGAGACAGTGGCTGGACCGGG-3'

ClinVar aggregate classification (germline): Pathogenic/Likely pathogenic. Review status: criteria provided, multiple submitters, no conflicts (2 of 4 stars). 2 submissions from 2 submitters: Pathogenic (1); Likely pathogenic (1). Last evaluated 2024-12-04.

Conditions:
Muscular dystrophy-dystroglycanopathy (congenital with brain and eye anomalies), type A1 (MDDGA1). Also called: COD-MD SYNDROME; Muscular dystrophy-dystroglycanopathy (congenital with brain and eye anomalies), type A, 1; WALKER-WARBURG SYNDROME OR MUSCLE-EYE-BRAIN DISEASE, POMT1-RELATED; Hydrocephalus, agyria and retinal dysplasia; Hard +/- E syndrome; Warburg syndrome. Identifiers: Orphanet 588, Orphanet 899, MedGen C4284790, MONDO:0009364, OMIM 236670.
Walker-Warburg congenital muscular dystrophy. Also called: Muscular dystrophy-dystroglycanopathy, type A; Walker-Warburg syndrome. Identifiers: Orphanet 899, MedGen C0265221, MONDO:0000171.
Muscular dystrophy-dystroglycanopathy (congenital with impaired intellectual development), type B, 1. Also called: MUSCULAR DYSTROPHY, CONGENITAL, POMT1-RELATED; Muscular dystrophy-dystroglycanopathy (congenital with intellectual disability), type B1. Identifiers: MedGen C5436962, MONDO:0013159, OMIM 613155.
Autosomal recessive limb-girdle muscular dystrophy type 2K. Also called: MUSCULAR DYSTROPHY-DYSTROGLYCANOPATHY (LIMB-GIRDLE), TYPE C, 1; MUSCULAR DYSTROPHY, LIMB-GIRDLE, TYPE 2K. Identifiers: Orphanet 86812, MedGen C1836373, MONDO:0012248, OMIM 609308.

Allele frequency attached by ClinVar (database versions not stated): gnomAD exomes below 0.00001.

Submissions (2):

Labcorp Genetics (formerly Invitae), Labcorp
Classification: Pathogenic for Muscular dystrophy-dystroglycanopathy (congenital with impaired intellectual development), type B, 1; Walker-Warburg congenital muscular dystrophy; Autosomal recessive limb-girdle muscular dystrophy type 2K. Last evaluated: 2024-12-04. Review status: criteria provided, single submitter. Criteria: Invitae Variant Classification Sherloc (09022015). Collection method: clinical testing. Allele origin: germline.
Comment: This sequence change creates a premature translational stop signal (p.Gln682Serfs*62) in the POMT1 gene. While this is not anticipated to result in nonsense mediated decay, it is expected to disrupt the last 66 amino acid(s) of the POMT1 protein. This variant is not present in population databases (gnomAD no frequency). This variant has not been reported in the literature in individuals affected with POMT1-related conditions. ClinVar contains an entry for this variant (Variation ID: 2948069). Algorithms developed to predict the effect of sequence changes on RNA splicing suggest that this variant may disrupt the consensus splice site. This variant disrupts a region of the POMT1 protein in which other variant(s) (p.Trp736*) have been determined to be pathogenic (PMID: 22499106, 27193224). This suggests that this is a clinically significant region of the protein, and that variants that disrupt it are likely to be disease-causing. For these reasons, this variant has been classified as Pathogenic.

Baylor Genetics
Classification: Likely pathogenic for Muscular dystrophy-dystroglycanopathy (congenital with brain and eye anomalies), type A1. Last evaluated: 2024-03-23. Review status: criteria provided, single submitter. Criteria: ACMG Guidelines, 2015. Collection method: clinical testing. Allele origin: unknown.

Literature cited by the submitters: PubMed 22499106 (cited by Labcorp Genetics (formerly Invitae), Labcorp); PubMed 27193224 (cited by Labcorp Genetics (formerly Invitae), Labcorp).